The following is an entry in ClinVar:

ClinVar aggregate classification (germline): Uncertain significance (1 of 4 stars; one submission).

Conditions:
Hereditary cancer-predisposing syndrome. Also called: Hereditary Cancer Syndrome; Hereditary neoplastic syndrome; Neoplastic Syndromes, Hereditary; Tumor predisposition. Identifiers: Orphanet 140162, MedGen C0027672, MeSH D009386, MONDO:0015356.

gnomAD v4.1: 1 of 1,613,942 alleles (0.000062%); highest among the groups gnomAD compares: Non-Finnish European, 0.000085%; no homozygotes.

Submission:

Ambry Genetics
Classification: Uncertain significance for Hereditary cancer-predisposing syndrome. Last evaluated: 2025-04-21. Review status: criteria provided, single submitter. Criteria: Ambry Variant Classification Scheme 2023. Collection method: clinical testing. Allele origin: germline.
Comment: The p.S2110Y variant (also known as c.6329C>A), located in coding exon 15 of the APC gene, results from a C to A substitution at nucleotide position 6329. The serine at codon 2110 is replaced by tyrosine, an amino acid with dissimilar properties. This amino acid position is conserved. In addition, in silico predictors for this gene do not accurately predict pathogenicity. Based on the available evidence, the clinical significance of this variant remains unclear.

NM_000038.6(APC):c.6329C>A (p.Ser2110Tyr)

Gene: APC (APC regulator of Wnt signaling pathway; plus strand). Cytogenetic location: 5q22.2.
Variant type: single nucleotide variant.
Coding change: c.6329C>A on transcript NM_000038.6 (MANE Select); coding-DNA position 6329, C replaced by A.
Protein change: p.Ser2110Tyr; replaces serine 2110 with tyrosine.
Molecular consequence: missense variant. On other transcripts: non-coding transcript variant (2).
Genome position (GRCh38, 1-based): chr5:112,841,923, C>A. VCF-style: chr5-112841923-C-A. GRCh37 (hg19) VCF-style: chr5-112177620-C-A.
Other names: c.6329C>A, p.Ser2110Tyr (NM_001127510.3, NM_001354895.2, NM_001407450.1); c.6275C>A, p.Ser2092Tyr (NM_001127511.3); c.6383C>A, p.Ser2128Tyr (NM_001354896.2, NM_001407447.1, NM_001407448.1 and 1 more transcripts); c.6359C>A, p.Ser2120Tyr (NM_001354897.2); c.6254C>A, p.Ser2085Tyr (NM_001354898.2); c.6245C>A, p.Ser2082Tyr (NM_001354899.2); c.6206C>A, p.Ser2069Tyr (NM_001354900.2); c.6152C>A, p.Ser2051Tyr (NM_001354901.2, NM_001407453.1); and 11 more; short protein forms S1827Y, S1950Y, S2009Y, S2027Y, S2120Y, S2138Y, S2019Y, S2051Y.
Identifiers: ClinVar variation 3928893 (VCV003928893.1).